The following is an entry in ClinVar:

NM_006736.6(DNAJB2):c.196G>T (p.Asp66Tyr)

Gene: DNAJB2 (DnaJ heat shock protein family (Hsp40) member B2; plus strand). Cytogenetic location: 2q35.
Variant type: single nucleotide variant.
Coding change: c.196G>T on transcript NM_006736.6 (MANE Select); coding-DNA position 196, G replaced by T.
Protein change: p.Asp66Tyr; replaces aspartic acid 66 with tyrosine.
Molecular consequence: missense variant.
Genome position (GRCh38, 1-based): chr2:219,281,738, G>T. VCF-style: chr2-219281738-G-T. GRCh37 (hg19) VCF-style: chr2-220146460-G-T.
Other names: c.196G>T, p.Asp66Tyr (NM_001039550.2); short protein forms D66Y.
Identifiers: ClinVar variation 860276 (VCV000860276.10), dbSNP rs746079387, ClinGen allele CA350647721.
Genomic context (GRCh38, chr2:219,281,738, plus strand): 5'-TCCCAGAGGGAGGGTGAAATGATCTGGTCTCTTTTTGCAGAGCACAAGCGGGAGATTTAC[G>T]ACCGCTATGGCCGGGAAGGGCTGACAGGGACAGGTAGGTGGAGTGGTGAGGCCCAGGAAT-3'
Protein context (NP_006727.2, residues 56-76): LSDKHKREIY[Asp66Tyr]RYGREGLTGT

ClinVar aggregate classification (germline): Uncertain significance (1 of 4 stars; one submission).

Conditions:
Neuronopathy, distal hereditary motor, autosomal recessive 5. Also called: NEUROPATHY, DISTAL HEREDITARY MOTOR, AUTOSOMAL RECESSIVE 5; Spinal muscular atrophy, distal, autosomal recessive, 5; Young adult-onset distal hereditary motor neuropathy. Identifiers: Orphanet 314485, Orphanet 443950, MedGen C4749918, MONDO:0013947, OMIM 614881.

Allele frequency attached by ClinVar (database versions not stated): TOPMed 0.00001.

Submission:

Labcorp Genetics (formerly Invitae), Labcorp
Classification: Uncertain significance for Neuronopathy, distal hereditary motor, autosomal recessive 5. Last evaluated: 2019-03-22. Review status: criteria provided, single submitter. Criteria: Invitae Variant Classification Sherloc (09022015). Collection method: clinical testing. Allele origin: germline.
Comment: This sequence change replaces aspartic acid with tyrosine at codon 66 of the DNAJB2 protein (p.Asp66Tyr). The aspartic acid residue is highly conserved and there is a large physicochemical difference between aspartic acid and tyrosine. This variant is not present in population databases (ExAC no frequency). This variant has not been reported in the literature in individuals with DNAJB2-related conditions. Algorithms developed to predict the effect of missense changes on protein structure and function (SIFT, PolyPhen-2, Align-GVGD) all suggest that this variant is likely to be disruptive, but these predictions have not been confirmed by published functional studies and their clinical significance is uncertain. In summary, the available evidence is currently insufficient to determine the role of this variant in disease. Therefore, it has been classified as a Variant of Uncertain Significance.